The following is an entry in ClinVar:

ClinVar aggregate classification (germline): Uncertain significance (1 of 4 stars; one submission).

Conditions:
Hereditary cancer-predisposing syndrome. Also called: Neoplastic Syndromes, Hereditary; Tumor predisposition; Hereditary Cancer Syndrome; Hereditary neoplastic syndrome. Identifiers: Orphanet 140162, MedGen C0027672, MeSH D009386, MONDO:0015356.

Submission:

Ambry Genetics
Classification: Uncertain significance for Hereditary cancer-predisposing syndrome. Last evaluated: 2026-02-28. Review status: criteria provided, single submitter. Criteria: Ambry Variant Classification Scheme 2023. Collection method: clinical testing. Allele origin: germline.
Comment: The p.S313T variant (also known as c.937T>A), located in coding exon 6 of the PTCH1 gene, results from a T to A substitution at nucleotide position 937. The serine at codon 313 is replaced by threonine, an amino acid with similar properties. This amino acid position is conserved. In addition, this alteration is predicted to be tolerated by in silico analysis. Based on the available evidence, the clinical significance of this variant remains unclear.

NM_000264.5(PTCH1):c.937T>A (p.Ser313Thr)

Gene: PTCH1 (patched 1; minus strand). Cytogenetic location: 9q22.32.
Variant type: single nucleotide variant.
Coding change: c.937T>A on transcript NM_000264.5 (MANE Select); coding-DNA position 937, T replaced by A.
Protein change: p.Ser313Thr; replaces serine 313 with threonine.
Molecular consequence: missense variant. On other transcripts: non-coding transcript variant (1).
Genome position (GRCh38, 1-based): chr9:95,480,398, A>T on the plus strand (T>A on the coding strand, the complement: PTCH1 is on the minus strand). VCF-style: chr9-95480398-A-T. GRCh37 (hg19) VCF-style: chr9-98242680-A-T.
Other names: c.739T>A, p.Ser247Thr (NM_001083602.3); c.934T>A, p.Ser312Thr (NM_001083603.3); c.484T>A, p.Ser162Thr (NM_001083604.3, NM_001083605.3, NM_001083606.3 and 1 more transcripts); c.937T>A, p.Ser313Thr (NM_001354918.2); short protein forms S313T, S247T, S312T, S162T.
Identifiers: ClinVar variation 4826364 (VCV004826364.1).